The following is an entry in ClinVar:

ClinVar aggregate classification (germline): Uncertain significance (1 of 4 stars; one submission).

gnomAD v4.1: 1 of 1,614,048 alleles (0.000062%); highest among the groups gnomAD compares: Non-Finnish European, 0.000085%; no homozygotes.

Submission:

Ambry Genetics
Classification: Uncertain significance. Last evaluated: 2025-03-10. Review status: criteria provided, single submitter. Criteria: Ambry Variant Classification Scheme 2023. Collection method: clinical testing. Allele origin: germline.
Comment: The p.E511D variant (also known as c.1533G>T), located in coding exon 2 of the CDK12 gene, results from a G to T substitution at nucleotide position 1533. The glutamic acid at codon 511 is replaced by aspartic acid, an amino acid with highly similar properties. This amino acid position is conserved. In addition, this alteration is predicted to be tolerated by in silico analysis. Based on the available evidence, the clinical significance of this variant remains unclear.

NM_016507.4(CDK12):c.1533G>T (p.Glu511Asp)

Gene: CDK12 (cyclin dependent kinase 12; plus strand). Cytogenetic location: 17q12.
Variant type: single nucleotide variant.
Coding change: c.1533G>T on transcript NM_016507.4 (MANE Select); coding-DNA position 1533, G replaced by T.
Protein change: p.Glu511Asp; replaces glutamic acid 511 with aspartic acid.
Molecular consequence: missense variant.
Genome position (GRCh38, 1-based): chr17:39,471,365, G>T. VCF-style: chr17-39471365-G-T. GRCh37 (hg19) VCF-style: chr17-37627618-G-T.
Other names: c.1533G>T, p.Glu511Asp (NM_015083.4); short protein forms E511D.
Identifiers: ClinVar variation 3830782 (VCV003830782.1).